The following is an entry in ClinVar:

NM_003738.5(PTCH2):c.3331C>T (p.Leu1111=)

Gene: PTCH2 (patched 2; minus strand). Cytogenetic location: 1p34.1.
Variant type: single nucleotide variant.
Coding change: c.3331C>T on transcript NM_003738.5 (MANE Select); coding-DNA position 3331, C replaced by T.
Protein change: p.Leu1111=; no amino-acid change (leucine 1111 retained).
Molecular consequence: synonymous variant.
Genome position (GRCh38, 1-based): chr1:44,823,095, G>A on the plus strand (C>T on the coding strand, the complement: PTCH2 is on the minus strand). VCF-style: chr1-44823095-G-A. GRCh37 (hg19) VCF-style: chr1-45288767-G-A.
Other names: c.3331C>T, p.Leu1111= (NM_001166292.2).
Identifiers: ClinVar variation 3040047 (VCV003040047.4), dbSNP rs749131299, ClinGen allele CA822727.
Genomic context (GRCh38, chr1:44,823,095, plus strand): 5'-GGGAGTAGAGGGATGGTGCCGAGGGTGTGGTCACCTCTGGCGGCGGGCCCAGGATGGACA[G>A]CAGCACAGGCAGCAGCACGAGTCCATGGAGGAGGCCCAGGAGCGTGAGCACTGTCAGCGC-3'
Protein context (NP_003729.3, residues 1101-1121): LHGLVLLPVL[Leu1111=]SILGPPPEVI

ClinVar aggregate classification (germline): Likely benign. Review status: criteria provided, single submitter (1 of 4 stars). 2 submissions from 2 submitters: Likely benign (1). 1 of the submissions does not count toward it. Last evaluated 2024-03-28.

Conditions:
Gorlin syndrome. Also called: Nevoid Basal Cell Carcinoma Syndrome; Basal cell nevus syndrome. Identifiers: Orphanet 377, MedGen C0004779, MONDO:0007187.
PTCH2-related disorder. Also called: PTCH2-related condition; PTCH2-related disease.

Allele frequency attached by ClinVar (database versions not stated): ExAC 0.00001; gnomAD exomes 0.00001.
gnomAD v4.1: 9 of 1,613,728 alleles (0.00056%); highest among the groups gnomAD compares: Admixed American, 0.0017%; no homozygotes.

Submissions (2):

Labcorp Genetics (formerly Invitae), Labcorp
Classification: Likely benign for Gorlin syndrome. Last evaluated: 2024-03-28. Review status: criteria provided, single submitter. Criteria: Invitae Variant Classification Sherloc (09022015). Collection method: clinical testing. Allele origin: germline.

PreventionGenetics, part of Exact Sciences
Classification: Likely benign for PTCH2-related condition. Last evaluated: 2019-04-29. Review status: no assertion criteria provided. Collection method: clinical testing. Allele origin: germline. Not counted in ClinVar's aggregate classification.
Comment: This variant is classified as likely benign based on ACMG/AMP sequence variant interpretation guidelines (Richards et al. 2015 PMID: 25741868, with internal and published modifications).